The following is an entry in ClinVar:

NM_000243.3(MEFV):c.948C>T (p.His316=)

Gene: MEFV (MEFV innate immunity regulator, pyrin; minus strand). Cytogenetic location: 16p13.3.
Variant type: single nucleotide variant.
Coding change: c.948C>T on transcript NM_000243.3 (MANE Select); coding-DNA position 948, C replaced by T.
Protein change: p.His316=; no amino-acid change (histidine 316 retained).
Molecular consequence: synonymous variant.
Genome position (GRCh38, 1-based): chr16:3,249,743, G>A on the plus strand (C>T on the coding strand, the complement: MEFV is on the minus strand). VCF-style: chr16-3249743-G-A. GRCh37 (hg19) VCF-style: chr16-3299743-G-A.
Other names: c.315C>T, p.His105= (NM_001198536.2).
Identifiers: ClinVar variation 705394 (VCV000705394.36), dbSNP rs150252937, ClinGen allele CA7860268.

ClinVar aggregate classification (germline): Conflicting classifications of pathogenicity. Review status: criteria provided, conflicting classifications (1 of 4 stars). 7 submissions from 7 submitters: Uncertain significance (1); Benign (1); Likely benign (4). 1 of the submissions does not count toward it. Last evaluated 2025-11-11.

Conditions:
Autoinflammatory syndrome. Identifiers: Orphanet 93665, MedGen C3890737, MONDO:0019751.
Familial Mediterranean fever (FMF). Also called: POLYSEROSITIS, FAMILIAL PAROXYSMAL; POLYSEROSITIS, RECURRENT; Periodic peritonitis; Benign paroxysmal peritonitis. Identifiers: Orphanet 342, MedGen C0031069, MONDO:0018088, OMIM 249100. Disease mechanism: gain of function.
Inborn genetic diseases. Identifiers: MedGen C0950123, MeSH D030342.

Allele frequency attached by ClinVar (database versions not stated): ExAC 0.00003; gnomAD 0.00004 and 0.00005; gnomAD exomes 0.00006 and 0.00014; TOPMed 0.00006; ESP Exome Variant Server 0.00008; 1000 Genomes Project 30x 0.00016; 1000 Genomes Project 0.00020.
gnomAD v4.1: 207 of 1,614,144 alleles (0.013%); highest among the groups gnomAD compares: Admixed American, 0.027%; no homozygotes.

Submissions (7):

Labcorp Genetics (formerly Invitae), Labcorp
Classification: Likely benign for Familial Mediterranean fever. Last evaluated: 2025-11-11. Review status: criteria provided, single submitter. Criteria: Invitae Variant Classification Sherloc (09022015). Collection method: clinical testing. Allele origin: germline.

CeGaT Center for Human Genetics Tuebingen
Classification: Likely benign. Last evaluated: 2024-10-01. Review status: criteria provided, single submitter. Criteria: CeGaT Center For Human Genetics Tuebingen Variant Classification Criteria Version 2. Collection method: clinical testing. Allele origin: germline. Affected: yes. Observed: 1 variant allele.
Comment: MEFV: BP4, BP7

ARUP Laboratories, Molecular Genetics and Genomics, ARUP Laboratories
Classification: Likely benign. Last evaluated: 2022-11-02. Review status: criteria provided, single submitter. Criteria: ARUP Molecular Germline Variant Investigation Process 2021. Collection method: clinical testing. Allele origin: germline.

Ambry Genetics
Classification: Likely benign for Inborn genetic diseases. Last evaluated: 2022-08-01. Review status: criteria provided, single submitter. Criteria: Ambry Variant Classification Scheme 2023. Collection method: clinical testing. Allele origin: germline.

Genome Diagnostics Laboratory, The Hospital for Sick Children
Classification: Uncertain significance for Autoinflammatory syndrome. Last evaluated: 2018-02-01. Review status: criteria provided, single submitter. Criteria: ACMG Guidelines, 2015. Collection method: clinical testing. Allele origin: germline. Affected: yes.

GeneDx
Classification: Benign. Last evaluated: 2015-03-03. Review status: criteria provided, single submitter. Criteria: GeneDx Variant Classification Process June 2021. Collection method: clinical testing. Allele origin: germline. Affected: yes.

Natera, Inc.
Classification: Likely benign for Familial Mediterranean fever. Last evaluated: 2020-02-17. Review status: no assertion criteria provided. Collection method: clinical testing. Allele origin: germline. Not counted in ClinVar's aggregate classification.